The following is an entry in ClinVar:

NM_002880.4(RAF1):c.1629G>A (p.Thr543=)

Gene: RAF1 (Raf-1 proto-oncogene, serine/threonine kinase; minus strand). Cytogenetic location: 3p25.2.
Variant type: single nucleotide variant.
Coding change: c.1629G>A on transcript NM_002880.4 (MANE Select); coding-DNA position 1629, G replaced by A.
Protein change: p.Thr543=; no amino-acid change (threonine 543 retained).
Molecular consequence: synonymous variant. On other transcripts: non-coding transcript variant (3).
Genome position (GRCh38, 1-based): chr3:12,585,161, C>T on the plus strand (G>A on the coding strand, the complement: RAF1 is on the minus strand). VCF-style: chr3-12585161-C-T. GRCh37 (hg19) VCF-style: chr3-12626660-C-T.
Other names: NM_002880.3(RAF1):c.1629G>A; c.1689G>A, p.Thr563= (NM_001354689.3); c.1629G>A, p.Thr543= (NM_001354690.3); c.1386G>A, p.Thr462= (NM_001354691.3, NM_001354692.3); c.1530G>A, p.Thr510= (NM_001354693.3); c.1446G>A, p.Thr482= (NM_001354694.3); c.1287G>A, p.Thr429= (NM_001354695.3).
Identifiers: ClinVar variation 448927 (VCV000448927.44), dbSNP rs5746244, ClinGen allele CA2259460.
Genomic context (GRCh38, chr3:12,585,161, plus strand): 5'-TTCGCACCAGCACAGACTTACCTGATCTCGGTTGTTGATGTGAGAATAAGGAAGCTCCCC[C>T]GTCATCAGTTCATACAATACGATGCCATAGGAGTAGACATCCGACTGGAAACTGAATGGG-3'
Protein context (NP_002871.1, residues 533-553): SYGIVLYELM[Thr543=]GELPYSHINN

ClinVar aggregate classification (germline): Benign. Review status: reviewed by expert panel (3 of 4 stars). 8 submissions from 8 submitters: Benign (1). 7 of the submissions do not count toward it. Last evaluated 2018-04-18.

Conditions:
Noonan syndrome and Noonan-related syndrome. Identifiers: Orphanet 98733, MedGen C5681679, MONDO:0020297.
Cardiovascular phenotype. Identifiers: MedGen CN230736.
RASopathy. Also called: Noonan spectrum disorder; rasopathies. Identifiers: Orphanet 536391, MedGen C5555857, MONDO:0021060.

Allele frequency attached by ClinVar (database versions not stated): 1000 Genomes Project 0.00040; 1000 Genomes Project 30x 0.00047.
gnomAD v4.1: 167 of 1,614,158 alleles (0.01%); highest among the groups gnomAD compares: South Asian, 0.15%; 1 homozygote.

Submissions (8):

ClinGen RASopathy Variant Curation Expert Panel
Classification: Benign for Noonan syndrome and Noonan-related syndrome. Last evaluated: 2018-04-18. Review status: reviewed by expert panel. Criteria: ClinGen RASopathy ACMG Specifications v1. Collection method: curation. Allele origin: germline. Inheritance: Autosomal dominant inheritance.
Comment: The filtering allele frequency of the c.438+8A>T variant in the MAP2K1 gene is 0.075% (19/16512) of South Asian chromosomes by the Exome Aggregation Consortium, which is a high enough frequency to be classified as benign based on thresholds defined by the ClinGen RASopathy Expert Panel (BA1; PMID:29493581)

Labcorp Genetics (formerly Invitae), Labcorp
Classification: Benign for RASopathy. Last evaluated: 2025-08-17. Review status: criteria provided, single submitter. Criteria: Invitae Variant Classification Sherloc (09022015). Collection method: clinical testing. Allele origin: germline. Not counted in ClinVar's aggregate classification.

Mayo Clinic Laboratories, Mayo Clinic
Classification: Benign. Last evaluated: 2025-04-07. Review status: criteria provided, single submitter. Criteria: ACMG Guidelines, 2015. Collection method: clinical testing. Allele origin: germline. Observed: 1 variant allele. Not counted in ClinVar's aggregate classification.
Comment: BA1, BP4, BP7

Blueprint Genetics
Classification: Likely benign. Last evaluated: 2024-09-21. Review status: criteria provided, single submitter. Criteria: ACMG Guidelines, 2015. Collection method: clinical testing. Allele origin: germline. Not counted in ClinVar's aggregate classification.

CeGaT Center for Human Genetics Tuebingen
Classification: Likely benign. Last evaluated: 2024-08-01. Review status: criteria provided, single submitter. Criteria: CeGaT Center For Human Genetics Tuebingen Variant Classification Criteria Version 2. Collection method: clinical testing. Allele origin: germline. Affected: yes. Observed: 1 variant allele. Not counted in ClinVar's aggregate classification.
Comment: RAF1: BP4, BP7

GeneDx
Classification: Benign. Last evaluated: 2020-02-06. Review status: criteria provided, single submitter. Criteria: GeneDx Variant Classification Process June 2021. Collection method: clinical testing. Allele origin: germline. Affected: yes. Not counted in ClinVar's aggregate classification.

Genome Diagnostics Laboratory, The Hospital for Sick Children
Classification: Likely benign for Noonan syndrome and Noonan-related syndrome. Last evaluated: 2019-08-01. Review status: criteria provided, single submitter. Criteria: ACMG Guidelines, 2015. Collection method: clinical testing. Allele origin: germline. Not counted in ClinVar's aggregate classification.

Ambry Genetics
Classification: Likely benign for Cardiovascular phenotype. Last evaluated: 2019-05-19. Review status: criteria provided, single submitter. Criteria: Ambry Variant Classification Scheme 2023. Collection method: clinical testing. Allele origin: germline. Not counted in ClinVar's aggregate classification.